The following is an entry in ClinVar:

ClinVar aggregate classification (germline): Uncertain significance (1 of 4 stars; one submission).

Allele frequency attached by ClinVar (database versions not stated): gnomAD exomes below 0.00001; ESP Exome Variant Server 0.00008; ExAC 0.00001.
gnomAD v4.1: 7 of 1,614,206 alleles (0.00043%); highest among the groups gnomAD compares: Non-Finnish European, 0.00051%; no homozygotes.

Submission:

Labcorp Genetics (formerly Invitae), Labcorp
Classification: Uncertain significance. Last evaluated: 2026-01-02. Review status: criteria provided, single submitter. Criteria: Invitae Variant Classification Sherloc (09022015). Collection method: clinical testing. Allele origin: germline.
Comment: This sequence change replaces isoleucine, which is neutral and non-polar, with valine, which is neutral and non-polar, at codon 296 of the ANKH protein (p.Ile296Val). This variant is present in population databases (rs143724823, gnomAD 0.0009%). This variant has not been reported in the literature in individuals affected with ANKH-related conditions. ClinVar contains an entry for this variant (Variation ID: 3019219). Invitae Evidence Modeling of protein sequence and biophysical properties (such as structural, functional, and spatial information, amino acid conservation, physicochemical variation, residue mobility, and thermodynamic stability) indicates that this missense variant is not expected to disrupt ANKH protein function with a negative predictive value of 80%. In summary, the available evidence is currently insufficient to determine the role of this variant in disease. Therefore, it has been classified as a Variant of Uncertain Significance.

NM_054027.6(ANKH):c.886A>G (p.Ile296Val)

Gene: ANKH (ANKH inorganic pyrophosphate transport regulator; minus strand). Cytogenetic location: 5p15.2.
Variant type: single nucleotide variant.
Coding change: c.886A>G on transcript NM_054027.6 (MANE Select); coding-DNA position 886, A replaced by G.
Protein change: p.Ile296Val; replaces isoleucine 296 with valine.
Molecular consequence: missense variant.
Genome position (GRCh38, 1-based): chr5:14,745,899, T>C on the plus strand (A>G on the coding strand, the complement: ANKH is on the minus strand). VCF-style: chr5-14745899-T-C. GRCh37 (hg19) VCF-style: chr5-14746008-T-C.
Other names: short protein forms I296V.
Identifiers: ClinVar variation 3019219 (VCV003019219.3), dbSNP rs143724823, ClinGen allele CA3209000.